The following is an entry in ClinVar:

NM_023004.6(RTN4R):c.740C>T (p.Ala247Val)

Gene: RTN4R (reticulon 4 receptor; minus strand). Cytogenetic location: 22q11.21.
Variant type: single nucleotide variant.
Coding change: c.740C>T on transcript NM_023004.6 (MANE Select); coding-DNA position 740, C replaced by T.
Protein change: p.Ala247Val; replaces alanine 247 with valine.
Molecular consequence: missense variant.
Genome position (GRCh38, 1-based): chr22:20,242,393, G>A on the plus strand (C>T on the coding strand, the complement: RTN4R is on the minus strand). VCF-style: chr22-20242393-G-A. GRCh37 (hg19) VCF-style: chr22-20229916-G-A.
Other names: short protein forms A247V.
Identifiers: ClinVar variation 5039514 (VCV005039514.1).

ClinVar aggregate classification (germline): Likely benign (1 of 4 stars; one submission).

gnomAD v4.1: 10 of 1,612,986 alleles (0.00062%); highest among the groups gnomAD compares: Middle Eastern, 0.016%; no homozygotes.

Submission:

CeGaT Center for Human Genetics Tuebingen
Classification: Likely benign. Last evaluated: 2026-07-01. Review status: criteria provided, single submitter. Criteria: CeGaT Center For Human Genetics Tuebingen Variant Classification Criteria Version 2. Collection method: clinical testing. Allele origin: germline. Affected: yes. Observed: 1 variant allele.
Comment: RTN4R: BP4